The following is an entry in ClinVar:

NM_001430.5(EPAS1):c.95A>C (p.Glu32Ala)

Gene: EPAS1 (endothelial PAS domain protein 1; plus strand). Cytogenetic location: 2p21.
Variant type: single nucleotide variant.
Coding change: c.95A>C on transcript NM_001430.5 (MANE Select); coding-DNA position 95, A replaced by C.
Protein change: p.Glu32Ala; replaces glutamic acid 32 with alanine.
Molecular consequence: missense variant.
Genome position (GRCh38, 1-based): chr2:46,346,941, A>C. VCF-style: chr2-46346941-A-C. GRCh37 (hg19) VCF-style: chr2-46574080-A-C.
Other names: short protein forms E32A.
Identifiers: ClinVar variation 1767508 (VCV001767508.3), dbSNP rs1684041216, ClinGen allele CA346697014.

ClinVar aggregate classification (germline): Uncertain significance (1 of 4 stars; one submission).

Conditions:
Inborn genetic diseases. Identifiers: MedGen C0950123, MeSH D030342.

Submission:

Ambry Genetics
Classification: Uncertain significance for Inborn genetic diseases. Last evaluated: 2024-06-16. Review status: criteria provided, single submitter. Criteria: Ambry Variant Classification Scheme 2023. Collection method: clinical testing. Allele origin: germline.
Comment: The p.E32A variant (also known as c.95A>C), located in coding exon 2 of the EPAS1 gene, results from an A to C substitution at nucleotide position 95. The glutamic acid at codon 32 is replaced by alanine, an amino acid with dissimilar properties. This amino acid position is conserved. In addition, the in silico prediction for this alteration is inconclusive. Since supporting evidence is limited at this time, the clinical significance of this alteration remains unclear.